The following is an entry in ClinVar:

ClinVar aggregate classification (germline): Uncertain significance (1 of 4 stars; one submission).

Allele frequency attached by ClinVar (database versions not stated): ExAC 0.00001; gnomAD exomes 0.00001; TOPMed 0.00002.
gnomAD v4.1: 2 of 1,556,688 alleles (0.00013%); highest among the groups gnomAD compares: East Asian, 0.0046%; no homozygotes.

Submission:

Labcorp Genetics (formerly Invitae), Labcorp
Classification: Uncertain significance. Last evaluated: 2025-08-31. Review status: criteria provided, single submitter. Criteria: Invitae Variant Classification Sherloc (09022015). Collection method: clinical testing. Allele origin: germline.
Comment: This sequence change replaces asparagine, which is neutral and polar, with aspartic acid, which is acidic and polar, at codon 1229 of the CCDC88A protein (p.Asn1229Asp). The frequency data for this variant in the population databases is considered unreliable, as metrics indicate poor data quality at this position in the gnomAD database. This variant has not been reported in the literature in individuals affected with CCDC88A-related conditions. ClinVar contains an entry for this variant (Variation ID: 1412979). An algorithm developed to predict the effect of missense changes on protein structure and function (PolyPhen-2) suggests that this variant is likely to be tolerated. In summary, the available evidence is currently insufficient to determine the role of this variant in disease. Therefore, it has been classified as a Variant of Uncertain Significance.

NM_001365480.1(CCDC88A):c.3688A>G (p.Asn1230Asp)

Gene: CCDC88A (coiled-coil and HOOK domain protein 88A; minus strand). Cytogenetic location: 2p16.1.
Variant type: single nucleotide variant.
Coding change: c.3688A>G on transcript NM_001365480.1 (MANE Select); coding-DNA position 3688, A replaced by G.
Protein change: p.Asn1230Asp; replaces asparagine 1230 with aspartic acid.
Molecular consequence: missense variant.
Genome position (GRCh38, 1-based): chr2:55,317,264, T>C on the plus strand (A>G on the coding strand, the complement: CCDC88A is on the minus strand). VCF-style: chr2-55317264-T-C. GRCh37 (hg19) VCF-style: chr2-55544400-T-C.
Other names: c.3685A>G, p.Asn1229Asp (NM_001135597.2, NM_001254943.2); c.3688A>G, p.Asn1230Asp (NM_018084.5); short protein forms N1229D, N1230D.
Identifiers: ClinVar variation 1412979 (VCV001412979.8), dbSNP rs773083882, ClinGen allele CA1665709.